The following is an entry in ClinVar:

NM_002474.3(MYH11):c.4030G>A (p.Glu1344Lys)

Genes: MYH11 (myosin heavy chain 11; minus strand), NDE1 (nudE neurodevelopment protein 1; plus strand). Cytogenetic location: 16p13.11.
Variant type: single nucleotide variant.
Coding change: c.4030G>A on transcript NM_002474.3 (MANE Select); coding-DNA position 4030, G replaced by A.
Protein change: p.Glu1344Lys; replaces glutamic acid 1344 with lysine.
Molecular consequence: missense variant. On other transcripts: 3 prime UTR variant (2).
Genome position (GRCh38, 1-based): chr16:15,724,733, C>T on the plus strand (G>A on the coding strand, the complement: MYH11 is on the minus strand). VCF-style: chr16-15724733-C-T. GRCh37 (hg19) VCF-style: chr16-15818590-C-T.
Other names: c.4051G>A, p.Glu1351Lys (NM_001040113.2, NM_001040114.2); c.4030G>A, p.Glu1344Lys (NM_022844.3); c.*482C>T (NM_001143979.2, NM_017668.3); short protein forms E1344K, E1351K.
Identifiers: ClinVar variation 4681725 (VCV004681725.5).

ClinVar aggregate classification (germline): Uncertain significance (1 of 4 stars; one submission).

gnomAD v4.1: 5 of 1,614,198 alleles (0.00031%); highest among the groups gnomAD compares: Non-Finnish European, 0.00017%; no homozygotes.

Submission:

CeGaT Center for Human Genetics Tuebingen
Classification: Uncertain significance. Last evaluated: 2025-12-01. Review status: criteria provided, single submitter. Criteria: CeGaT Center For Human Genetics Tuebingen Variant Classification Criteria Version 2. Collection method: clinical testing. Allele origin: germline. Affected: yes. Observed: 1 variant allele.
Comment: MYH11: PM2